The following is an entry in ClinVar:

ClinVar aggregate classification (germline): Benign/Likely benign. Review status: criteria provided, multiple submitters, no conflicts (2 of 4 stars). 2 submissions from 2 submitters: Benign (1); Likely benign (1). Last evaluated 2021-03-23.

Submissions (2):

Mayo Clinic Laboratories, Mayo Clinic
Classification: Benign. Last evaluated: 2021-03-23. Review status: criteria provided, single submitter. Criteria: ACMG Guidelines, 2015. Collection method: clinical testing. Allele origin: germline. Observed: 20 variant alleles.

GeneDx
Classification: Likely benign. Last evaluated: 2020-12-05. Review status: criteria provided, single submitter. Criteria: GeneDx Variant Classification Process June 2021. Collection method: clinical testing. Allele origin: germline. Affected: yes.
Comment: See Variant Classification Assertion Criteria.

NM_000521.4(HEXB):c.1082+40del

Gene: HEXB (hexosaminidase subunit beta; plus strand). Cytogenetic location: 5q13.3.
Variant type: Deletion.
Coding change: c.1082+40del on transcript NM_000521.4 (MANE Select); 40 bases into the intron after coding-DNA position 1082, one base deleted (A; older notation c.1082+40delA).
Molecular consequence: intron variant.
Genome position (GRCh38, 1-based): chr5:74,715,730, A deleted; the last of 14 consecutive A bases (chr5:74,715,717-74,715,730); deleting any one gives the same sequence. VCF-style (leftmost placement, unchanged base first): chr5-74715716-TA-T. GRCh37 (hg19) VCF-style: chr5-74011541-TA-T.
Other names: p.?; c.407+40del (NM_001292004.2).
Identifiers: ClinVar variation 1706738 (VCV001706738.3), dbSNP rs373945141, ClinGen allele CA3306019.